The following is an entry in ClinVar:

NM_000572.3(IL10):c.379-112A>G

Gene: IL10 (interleukin 10; minus strand). Cytogenetic location: 1q32.1.
Variant type: single nucleotide variant.
Coding change: c.379-112A>G on transcript NM_000572.3 (MANE Select); 112 bases into the intron before coding-DNA position 379, A replaced by G.
Molecular consequence: intron variant.
Genome position (GRCh38, 1-based): chr1:206,770,006, T>C on the plus strand (A>G on the coding strand, the complement: IL10 is on the minus strand). VCF-style: chr1-206770006-T-C. GRCh37 (hg19) VCF-style: chr1-206943351-T-C.
Other names: c.124-112A>G (NM_001382624.1).
Identifiers: ClinVar variation 2628140 (VCV002628140.2), dbSNP rs3024494, ClinGen allele CA36548678.

ClinVar aggregate classification (germline): Benign (1 of 4 stars; one submission).

Allele frequency attached by ClinVar (database versions not stated): TOPMed 0.97410; 1000 Genomes Project 30x 0.97580; 1000 Genomes Project 0.97684; gnomAD 0.97695; gnomAD exomes 0.99716.
gnomAD v4.1: 787,570 of 792,986 alleles (99%); highest among the groups gnomAD compares: East Asian, 100%; 391,266 homozygotes.

Submission:

Unidad de Genómica Garrahan, Hospital de Pediatría Garrahan
Classification: Benign. Last evaluated: 2023-11-12. Review status: criteria provided, single submitter. Criteria: ACMG Guidelines, 2015. Collection method: clinical testing. Allele origin: germline. Affected: no. Observed: 60 variant alleles.
Comment: This variant is classified as Benign based on local population frequency. This variant was detected in 63% of patients studied by a panel of primary immunodeficiencies. Number of patients: 60. Only high quality variants are reported.